The following is an entry in ClinVar:

NM_004104.5(FASN):c.3342G>A (p.Leu1114=)

Gene: FASN (fatty acid synthase; minus strand). Cytogenetic location: 17q25.3.
Variant type: single nucleotide variant.
Coding change: c.3342G>A on transcript NM_004104.5 (MANE Select); coding-DNA position 3342, G replaced by A.
Protein change: p.Leu1114=; no amino-acid change (leucine 1114 retained).
Molecular consequence: synonymous variant.
Genome position (GRCh38, 1-based): chr17:82,087,135, C>T on the plus strand (G>A on the coding strand, the complement: FASN is on the minus strand). VCF-style: chr17-82087135-C-T. GRCh37 (hg19) VCF-style: chr17-80045011-C-T.
Other names: c.3342G>A (NM_004104.4).
Identifiers: ClinVar variation 1653851 (VCV001653851.9), dbSNP rs752963702, ClinGen allele CA8852417.

ClinVar aggregate classification (germline): Likely benign. Review status: criteria provided, single submitter (1 of 4 stars). 2 submissions from 2 submitters: Likely benign (1). 1 of the submissions does not count toward it. Last evaluated 2022-06-22.

Conditions:
FASN-related disorder. Also called: FASN-related condition.
Epileptic encephalopathy. Identifiers: MedGen C0543888, HP:0200134.

Allele frequency attached by ClinVar (database versions not stated): gnomAD 0.00001; gnomAD exomes 0.00002 and 0.00003; ExAC 0.00003; TOPMed 0.00003.
gnomAD v4.1: 27 of 1,611,916 alleles (0.0017%); highest among the groups gnomAD compares: East Asian, 0.0045%; no homozygotes.

Submissions (2):

Labcorp Genetics (formerly Invitae), Labcorp
Classification: Likely benign for Epileptic encephalopathy. Last evaluated: 2022-06-22. Review status: criteria provided, single submitter. Criteria: Invitae Variant Classification Sherloc (09022015). Collection method: clinical testing. Allele origin: germline.

PreventionGenetics, part of Exact Sciences
Classification: Likely benign for FASN-related condition. Last evaluated: 2023-10-25. Review status: no assertion criteria provided. Collection method: clinical testing. Allele origin: germline. Not counted in ClinVar's aggregate classification.
Comment: This variant is classified as likely benign based on ACMG/AMP sequence variant interpretation guidelines (Richards et al. 2015 PMID: 25741868, with internal and published modifications).